The following is an entry in ClinVar:

NM_031935.3(HMCN1):c.3947T>G (p.Ile1316Ser)

Gene: HMCN1 (hemicentin 1; plus strand). Cytogenetic location: 1q31.1.
Variant type: single nucleotide variant.
Coding change: c.3947T>G on transcript NM_031935.3 (MANE Select); coding-DNA position 3947, T replaced by G.
Protein change: p.Ile1316Ser; replaces isoleucine 1316 with serine.
Molecular consequence: missense variant.
Genome position (GRCh38, 1-based): chr1:186,000,117, T>G. VCF-style: chr1-186000117-T-G. GRCh37 (hg19) VCF-style: chr1-185969249-T-G.
Other names: short protein forms I1316S.
Identifiers: ClinVar variation 4717417 (VCV004717417.1).

ClinVar aggregate classification (germline): Uncertain significance (1 of 4 stars; one submission).

gnomAD v4.1: 1 of 1,613,178 alleles (0.000062%); highest among the groups gnomAD compares: Non-Finnish European, 0.000085%; no homozygotes.

Submission:

Labcorp Genetics (formerly Invitae), Labcorp
Classification: Uncertain significance. Last evaluated: 2025-04-13. Review status: criteria provided, single submitter. Criteria: Invitae Variant Classification Sherloc (09022015). Collection method: clinical testing. Allele origin: germline.
Comment: This sequence change replaces isoleucine, which is neutral and non-polar, with serine, which is neutral and polar, at codon 1316 of the HMCN1 protein (p.Ile1316Ser). This variant is not present in population databases (gnomAD no frequency). This variant has not been reported in the literature in individuals affected with HMCN1-related conditions. An algorithm developed to predict the effect of missense changes on protein structure and function (PolyPhen-2) suggests that this variant is likely to be tolerated. In summary, the available evidence is currently insufficient to determine the role of this variant in disease. Therefore, it has been classified as a Variant of Uncertain Significance.